The following is an entry in ClinVar:

ClinVar aggregate classification (germline): Conflicting classifications of pathogenicity. Review status: criteria provided, conflicting classifications (1 of 4 stars). 4 submissions from 4 submitters: Likely pathogenic (1); Uncertain significance (2); Likely benign (1). Last evaluated 2025-12-14.

Conditions:
Dilated cardiomyopathy 1M (CMD1M). Identifiers: Orphanet 154, MedGen C1843808, MONDO:0011840, OMIM 607482.
Hypertrophic cardiomyopathy 12. Identifiers: MedGen C2677491, MONDO:0012804, OMIM 612124.

Allele frequency attached by ClinVar (database versions not stated): gnomAD exomes below 0.00001; gnomAD 0.00001.
gnomAD v4.1: 6 of 1,611,996 alleles (0.00037%); highest among the groups gnomAD compares: African/African-American, 0.0027%; no homozygotes.

Submissions (4):

Labcorp Genetics (formerly Invitae), Labcorp
Classification: Uncertain significance for Hypertrophic cardiomyopathy 12; Dilated cardiomyopathy 1M. Last evaluated: 2025-12-14. Review status: criteria provided, single submitter. Criteria: Invitae Variant Classification Sherloc (09022015). Collection method: clinical testing. Allele origin: germline.
Comment: This sequence change falls in intron 3 of the CSRP3 gene. It does not directly change the encoded amino acid sequence of the CSRP3 protein. It affects a nucleotide within the consensus splice site. This variant is present in population databases (no rsID available, gnomAD 0.01%). This variant has not been reported in the literature in individuals affected with CSRP3-related conditions. ClinVar contains an entry for this variant (Variation ID: 2940568). Variants that disrupt the consensus splice site are a relatively common cause of aberrant splicing (PMID: 17576681, 9536098). Algorithms developed to predict the effect of sequence changes on RNA splicing suggest that this variant may disrupt the consensus splice site. In summary, the available evidence is currently insufficient to determine the role of this variant in disease. Therefore, it has been classified as a Variant of Uncertain Significance.

Clinical Genomics Laboratory, Washington University in St. Louis
Classification: Uncertain significance for Hypertrophic cardiomyopathy 12. Last evaluated: 2025-10-07. Review status: criteria provided, single submitter. Criteria: ACMG Guidelines, 2015. Collection method: clinical testing. Allele origin: germline.
Comment: A CSRP3 c.113-3C>A variant was identified in a heterozygous state. The CSRP3 c.113-3C>A variant, to our knowledge, has not been reported in the medical literature. This variant is only observed on 6/1,611,996 alleles in the general population (gnomAD v4.1.0), indicating it is not a common variant. This variant has been reported in the ClinVar database as a germline likely pathogenic variant in hypertrophic cardiomyopathy by one submitter as well as a variant of uncertain significance in hypertrophic and dilated cardiomyopathy by one submitter (ClinVar Variation ID: 2940568). Computational predictors indicate that this variant would alter splicing, evidence that correlates to an impact of this variant on CSRP3 function. Due to limited information and based on ACMG/AMP guidelines for variant interpretation (Richards S et al., PMID: 25741868), the clinical significance of this variant is uncertain at this time.

Victorian Clinical Genetics Services, Murdoch Childrens Research Institute
Classification: Likely pathogenic for Hypertrophic cardiomyopathy 12. Last evaluated: 2024-09-20. Review status: criteria provided, single submitter. Criteria: ACMG Guidelines, 2015. Collection method: clinical testing. Allele origin: germline. Inheritance: Autosomal dominant inheritance. Affected: yes.
Comment: Based on the classification scheme VCGS_Germline_v1.3.4, this variant is classified as Likely pathogenic. Following criteria are met: 0102 - Loss of function is a known mechanism of disease in this gene and is associated with hypertrophic cardiomyopathy 12 (MIM#612124). (I) 0108 - This gene is associated with both recessive and dominant disease. Individuals with biallelic variants have a more severe phenotype and/or an earlier onset of symptoms (PMID: 33035702). (I) 0209 - Splice site variant proven to affect splicing of the transcript with uncertain effect on protein sequence. A mini-gene assay has shown that this variant results in exon 3 skipping, which is predicted to result in p.(Met38Serfs*114), and is expected to escape nonsense-mediated decay (personal communication with Victor Chang Cardiac Research Institute). (SP) 0251 - This variant is heterozygous. (I) 0304 - Variant is present in gnomAD <0.01 (v2) (1 heterozygote, 0 homozygotes). (SP) 0600 - Variant is located in the annotated LIM domain. This variant is expected to disrupt both LIM domains in the CSRP3 protein (DECIPHER). (I) 0710 - Another splice variant comparable to the one identified in this case has inconclusive previous evidence for pathogenicity. An alternative change at this position, c.113-3C>T, has been previously reported as a VUS in an individual with hypertrophic cardiomyopathy (personal communication with Blueprint Genetics). (I) 0807 - This variant has no previous evidence of pathogenicity. (I) 0905 - No published segregation evidence has been identified for this variant. (I) 1007 - No published functional evidence has been identified for this variant. (I) 1208 - Inheritance information for this variant is not currently available in this individual. (I) Legend: (SP) - Supporting pathogenic, (I) - Information, (SB) - Supporting benign

Blueprint Genetics
Classification: Likely benign. Last evaluated: 2020-10-14. Review status: criteria provided, single submitter. Criteria: ACMG Guidelines, 2015. Collection method: clinical testing. Allele origin: germline.

Literature cited by the submitters: PubMed 17576681 (cited by Labcorp Genetics (formerly Invitae), Labcorp); PubMed 9536098 (cited by Labcorp Genetics (formerly Invitae), Labcorp); PubMed 33035702 (cited by Victorian Clinical Genetics Services, Murdoch Childrens Research Institute).

NM_003476.5(CSRP3):c.113-3C>A

Gene: CSRP3 (cysteine and glycine rich protein 3; minus strand). Cytogenetic location: 11p15.1.
Variant type: single nucleotide variant.
Coding change: c.113-3C>A on transcript NM_003476.5 (MANE Select); 3 bases into the intron before coding-DNA position 113, C replaced by A.
Molecular consequence: intron variant.
Genome position (GRCh38, 1-based): chr11:19,188,307, G>T on the plus strand (C>A on the coding strand, the complement: CSRP3 is on the minus strand). VCF-style: chr11-19188307-G-T. GRCh37 (hg19) VCF-style: chr11-19209854-G-T.
Other names: c.113-1959C>A (NM_001369404.1); c.113-3C>A (NM_003476.4).
Identifiers: ClinVar variation 2940568 (VCV002940568.5), dbSNP rs1310679270, ClinGen allele CA597900293.